The following is an entry in ClinVar:

NM_001367721.1(CASK):c.1949G>A (p.Ser650Asn)

Gene: CASK (calcium/calmodulin dependent serine protein kinase; minus strand). Cytogenetic location: Xp11.4.
Variant type: single nucleotide variant.
Coding change: c.1949G>A on transcript NM_001367721.1 (MANE Select); coding-DNA position 1949, G replaced by A.
Protein change: p.Ser650Asn; replaces serine 650 with asparagine.
Molecular consequence: missense variant.
Genome position (GRCh38, 1-based): chrX:41,553,809, C>T on the plus strand (G>A on the coding strand, the complement: CASK is on the minus strand). VCF-style: chrX-41553809-C-T. GRCh37 (hg19) VCF-style: chrX-41413062-C-T.
Other names: c.1880G>A, p.Ser627Asn (NM_001126054.3); c.1862G>A, p.Ser621Asn (NM_001126055.3); c.1931G>A, p.Ser644Asn (NM_001410745.1); c.1949G>A, p.Ser650Asn (NM_003688.4); short protein forms S627N, S621N, S650N, S644N.
Identifiers: ClinVar variation 1490512 (VCV001490512.6), dbSNP rs2147138480, ClinGen allele CA412992953.

ClinVar aggregate classification (germline): Uncertain significance (1 of 4 stars; one submission).

Conditions:
Intellectual disability, CASK-related, X-linked. Identifiers: MedGen CN043158.

Submission:

Labcorp Genetics (formerly Invitae), Labcorp
Classification: Uncertain significance for Intellectual disability, CASK-related, X-linked. Last evaluated: 2025-05-02. Review status: criteria provided, single submitter. Criteria: Invitae Variant Classification Sherloc (09022015). Collection method: clinical testing. Allele origin: germline.
Comment: This sequence change replaces serine, which is neutral and polar, with asparagine, which is neutral and polar, at codon 650 of the CASK protein (p.Ser650Asn). This variant is not present in population databases (gnomAD no frequency). This variant has not been reported in the literature in individuals affected with CASK-related conditions. ClinVar contains an entry for this variant (Variation ID: 1490512). Invitae Evidence Modeling of protein sequence and biophysical properties (such as structural, functional, and spatial information, amino acid conservation, physicochemical variation, residue mobility, and thermodynamic stability) indicates that this missense variant is not expected to disrupt CASK protein function with a negative predictive value of 80%. In summary, the available evidence is currently insufficient to determine the role of this variant in disease. Therefore, it has been classified as a Variant of Uncertain Significance.